The following is an entry in ClinVar:

NM_001966.4(EHHADH):c.712C>G (p.Gln238Glu)

Gene: EHHADH (enoyl-CoA hydratase and 3-hydroxyacyl CoA dehydrogenase; minus strand). Cytogenetic location: 3q27.2.
Variant type: single nucleotide variant.
Coding change: c.712C>G on transcript NM_001966.4 (MANE Select); coding-DNA position 712, C replaced by G.
Protein change: p.Gln238Glu; replaces glutamine 238 with glutamic acid.
Molecular consequence: missense variant.
Genome position (GRCh38, 1-based): chr3:185,204,614, G>C on the plus strand (C>G on the coding strand, the complement: EHHADH is on the minus strand). VCF-style: chr3-185204614-G-C. GRCh37 (hg19) VCF-style: chr3-184922402-G-C.
Other names: c.424C>G, p.Gln142Glu (NM_001166415.2); short protein forms Q238E, Q142E.
Identifiers: ClinVar variation 4988967 (VCV004988967.1).

ClinVar aggregate classification (germline): Uncertain significance (1 of 4 stars; one submission).

Conditions:
EHHADH-related disorder. Also called: EHHADH-related condition.

gnomAD v4.1: 9 of 1,614,082 alleles (0.00056%); highest among the groups gnomAD compares: African/African-American, 0.0013%; no homozygotes.

Submission:

PreventionGenetics, part of Exact Sciences
Classification: Uncertain significance for EHHADH-related condition. Last evaluated: 2026-08-19. Review status: criteria provided, single submitter. Criteria: ACMG Guidelines, 2015. Collection method: clinical testing. Allele origin: germline.
Comment: The EHHADH c.712C>G variant is predicted to result in the amino acid substitution p.Gln238Glu. To our knowledge, this variant has not been reported in the literature. This variant is reported in 0.0040% of alleles in individuals of African descent in gnomAD. At this time, the clinical significance of this variant is uncertain due to the absence of conclusive functional and genetic evidence.